The following is an entry in ClinVar:

NM_020207.7(ERCC6L2):c.2687C>T (p.Thr896Ile)

Gene: ERCC6L2 (ERCC excision repair 6 like 2; plus strand). Cytogenetic location: 9q22.32.
Variant type: single nucleotide variant.
Coding change: c.2687C>T on transcript NM_020207.7 (MANE Select); coding-DNA position 2687, C replaced by T.
Protein change: p.Thr896Ile; replaces threonine 896 with isoleucine.
Molecular consequence: missense variant. On other transcripts: non-coding transcript variant (1).
Genome position (GRCh38, 1-based): chr9:95,972,438, C>T. VCF-style: chr9-95972438-C-T. GRCh37 (hg19) VCF-style: chr9-98734720-C-T.
Other names: c.2687C>T, p.Thr896Ile (NM_001375291.1, NM_001375292.1, NM_001375293.1 and 1 more transcripts); short protein forms T896I.
Identifiers: ClinVar variation 1372214 (VCV001372214.6), dbSNP rs2133080443, ClinGen allele CA2573144791.

ClinVar aggregate classification (germline): Uncertain significance (1 of 4 stars; one submission).

Submission:

Labcorp Genetics (formerly Invitae), Labcorp
Classification: Uncertain significance. Last evaluated: 2021-08-03. Review status: criteria provided, single submitter. Criteria: Invitae Variant Classification Sherloc (09022015). Collection method: clinical testing. Allele origin: germline.
Comment: This sequence change replaces threonine with isoleucine at codon 907 of the ERCC6L2 protein (p.Thr907Ile). The threonine residue is weakly conserved and there is a moderate physicochemical difference between threonine and isoleucine. The frequency data for this variant in the population databases is considered unreliable, as metrics indicate insufficient coverage at this position in the ExAC database. This variant has not been reported in the literature in individuals affected with ERCC6L2-related conditions. Algorithms developed to predict the effect of missense changes on protein structure and function are either unavailable or do not agree on the potential impact of this missense change (SIFT: "Deleterious"; PolyPhen-2: "Not Available"; Align-GVGD: "Class C0"). In summary, the available evidence is currently insufficient to determine the role of this variant in disease. Therefore, it has been classified as a Variant of Uncertain Significance.